The following is an entry in ClinVar:

NC_000001.10:g.(?_244999017)_(245020178_?)dup

Genes: COX20 (cytochrome c oxidase assembly factor COX20; plus strand), HNRNPU (heterogeneous nuclear ribonucleoprotein U; minus strand). Cytogenetic location: 1q44.
Variant type: Duplication.
Identifiers: ClinVar variation 3247852 (VCV003247852.1).

ClinVar aggregate classification (germline): Pathogenic (1 of 4 stars; one submission).

Conditions:
Developmental and epileptic encephalopathy, 54. Also called: Epileptic encephalopathy, early infantile, 54; HNRNPU-Related Neurodevelopmental Disorder. Identifiers: MedGen C4479319, MONDO:0033363, OMIM 617391.

Submission:

Labcorp Genetics (formerly Invitae), Labcorp
Classification: Pathogenic for Developmental and epileptic encephalopathy, 54. Last evaluated: 2022-07-30. Review status: criteria provided, single submitter. Criteria: Invitae Variant Classification Sherloc (09022015). Collection method: clinical testing. Allele origin: unknown.
Comment: A similar copy number variant has been observed in individual(s) with clinical features of HNRNPU-related conditions (Invitae). In at least one individual the variant was observed to be de novo. This variant results in a copy number gain of the genomic region encompassing exon(s) 9-14 of the HNRNPU gene. This region includes the termination codon of the gene. This copy number gain extends beyond the assayed region for this gene and therefore may encompass additional genes. As the precise location of this event is unknown, it may be in tandem or it may be located elsewhere in the genome. For these reasons, this variant has been classified as Pathogenic.